The following is an entry in ClinVar:

NM_177438.3(DICER1):c.5729G>A (p.Arg1910Gln)

Gene: DICER1 (dicer 1, ribonuclease III; minus strand). Cytogenetic location: 14q32.13.
Variant type: single nucleotide variant.
Coding change: c.5729G>A on transcript NM_177438.3 (MANE Select); coding-DNA position 5729, G replaced by A.
Protein change: p.Arg1910Gln; replaces arginine 1910 with glutamine.
Molecular consequence: missense variant. On other transcripts: 3 prime UTR variant (1).
Genome position (GRCh38, 1-based): chr14:95,090,538, C>T on the plus strand (G>A on the coding strand, the complement: DICER1 is on the minus strand). VCF-style: chr14-95090538-C-T. GRCh37 (hg19) VCF-style: chr14-95556875-C-T.
Other names: NM_177438.3(DICER1):c.5729G>A; p.Arg1910Gln; c.*76G>A (NM_001195573.1); c.5729G>A, p.Arg1910Gln (NM_001271282.3, NM_001291628.2, NM_030621.4); short protein forms R1910Q.
Identifiers: ClinVar variation 825925 (VCV000825925.16), dbSNP rs1555365979, ClinGen allele CA390863032.

ClinVar aggregate classification (germline): Uncertain significance. Review status: reviewed by expert panel (3 of 4 stars). 4 submissions from 4 submitters: Uncertain significance (1). 3 of the submissions do not count toward it. Last evaluated 2026-11-03.

Conditions:
DICER1-related tumor predisposition. Also called: DICER1 syndrome; DICER1-related pleuropulmonary blastoma cancer predisposition syndrome. Identifiers: Orphanet 284343, MedGen C3839822, MONDO:0100216.
Hereditary cancer-predisposing syndrome. Also called: Neoplastic Syndromes, Hereditary; Hereditary Cancer Syndrome; Hereditary neoplastic syndrome; Tumor predisposition. Identifiers: Orphanet 140162, MedGen C0027672, MeSH D009386, MONDO:0015356.

Submissions (4):

ClinGen DICER1 and miRNA-Processing Gene Variant Curation Expert Panel, ClinGen
Classification: Uncertain significance for DICER1-related tumor predisposition. Last evaluated: 2026-11-03. Review status: reviewed by expert panel. Criteria: ClinGen DICER1 and miRNA-Processing Gene Expert Panel Specifications to the ACMG/AMP Variant Interpretation Guidelines for DICER1 Version 1.4. Collection method: curation. Allele origin: germline. Inheritance: Autosomal dominant inheritance.
Comment: The NM_177438.3:c.5729G>A variant in DICER1 is a missense variant predicted to replace arginine with glutamine at codon 1910 (p.Arg1910Gln). Although this variant has been observed in individuals undergoing genetic sequencing, to our knowledge, this variant has not been reported in individuals with DICER1-related tumor predisposition (PS4 not met; Internal lab contributors). This variant has an allele frequency of 6.196e-7 (1/1614038 alleles) across gnomAD v4.1.1 with no more than one allele in any subpopulation, which is lower than the ClinGen DICER1 VCEP threshold (<0.000005) for PM2_Supporting, and therefore meets this criterion (PM2_Supporting). The computational predictor REVEL gives a score of 0.29, which is below the threshold of 0.500, and the splice site predictors SpliceAI and MaxEntScan indicated that the variant has no impact on splicing, evidence that does not predict a damaging effect on DICER1 function (BP4). In summary, this variant meets the criteria to be classified as Uncertain Significance for DICER1-related tumor predisposition based on the ACMG/AMP criteria applied, as specified by the ClinGen DICER1 VCEP: PM2_Supporting, BP4. (VCEP specifications version 1.4.0) Based on Tavtigian et al 2020 (PMID:32720330), the total points applied = 0, which equates to a classification of Uncertain Significance.

Ambry Genetics
Classification: Uncertain significance for Hereditary cancer-predisposing syndrome. Last evaluated: 2025-04-01. Review status: criteria provided, single submitter. Criteria: Ambry Variant Classification Scheme 2023. Collection method: clinical testing. Allele origin: germline. Not counted in ClinVar's aggregate classification.
Comment: The p.R1910Q variant (also known as c.5729G>A), located in coding exon 26 of the DICER1 gene, results from a G to A substitution at nucleotide position 5729. The arginine at codon 1910 is replaced by glutamine, an amino acid with highly similar properties. This amino acid position is highly conserved in available vertebrate species. In addition, the in silico prediction for this alteration is inconclusive. Since supporting evidence is limited at this time, the clinical significance of this alteration remains unclear.

Labcorp Genetics (formerly Invitae), Labcorp
Classification: Uncertain significance for DICER1-related tumor predisposition. Last evaluated: 2024-06-06. Review status: criteria provided, single submitter. Criteria: Invitae Variant Classification Sherloc (09022015). Collection method: clinical testing. Allele origin: germline. Not counted in ClinVar's aggregate classification.
Comment: This sequence change replaces arginine, which is basic and polar, with glutamine, which is neutral and polar, at codon 1910 of the DICER1 protein (p.Arg1910Gln). This variant is not present in population databases (gnomAD no frequency). This variant has not been reported in the literature in individuals affected with DICER1-related conditions. ClinVar contains an entry for this variant (Variation ID: 825925). An algorithm developed to predict the effect of missense changes on protein structure and function (PolyPhen-2) suggests that this variant is likely to be disruptive. In summary, the available evidence is currently insufficient to determine the role of this variant in disease. Therefore, it has been classified as a Variant of Uncertain Significance.

Foulkes Cancer Genetics LDI, Lady Davis Institute for Medical Research
Classification: Likely pathogenic. Last evaluated: 2019-07-01. Review status: criteria provided, single submitter. Criteria: ACMG Guidelines, 2015. Collection method: curation. Allele origin: somatic, unknown. Affected: yes. Observed: 2 variant alleles. Not counted in ClinVar's aggregate classification.
Comment: ACMG criteria met: PM1, PM2, PM5, BP1

Literature cited by the submitters: PubMed 28012864 (cited by Foulkes Cancer Genetics LDI, Lady Davis Institute for Medical Research); PubMed 29881993 (cited by Foulkes Cancer Genetics LDI, Lady Davis Institute for Medical Research).